The following is an entry in ClinVar:

NM_003331.5(TYK2):c.15C>G (p.His5Gln)

Gene: TYK2 (tyrosine kinase 2; minus strand). Cytogenetic location: 19p13.2.
Variant type: single nucleotide variant.
Coding change: c.15C>G on transcript NM_003331.5 (MANE Select); coding-DNA position 15, C replaced by G.
Protein change: p.His5Gln; replaces histidine 5 with glutamine.
Molecular consequence: missense variant.
Genome position (GRCh38, 1-based): chr19:10,378,392, G>C on the plus strand (C>G on the coding strand, the complement: TYK2 is on the minus strand). VCF-style: chr19-10378392-G-C. GRCh37 (hg19) VCF-style: chr19-10489068-G-C.
Other names: c.15C>G, p.His5Gln (NM_001385197.1, NM_001385198.1, NM_001385199.1 and 8 more transcripts); short protein forms H5Q.
Identifiers: ClinVar variation 1307690 (VCV001307690.2), dbSNP rs1218057452, ClinGen allele CA404023258.

ClinVar aggregate classification (germline): Uncertain significance (1 of 4 stars; one submission).

Allele frequency attached by ClinVar (database versions not stated): gnomAD exomes below 0.00001.

Submission:

GeneDx
Classification: Uncertain significance. Last evaluated: 2019-08-20. Review status: criteria provided, single submitter. Criteria: GeneDx Variant Classification Process June 2021. Collection method: clinical testing. Allele origin: germline. Affected: yes.
Comment: In silico analysis, which includes protein predictors and evolutionary conservation, supports that this variant does not alter protein structure/function; Has not been previously published as pathogenic or benign to our knowledge